The following is an entry in ClinVar:

ClinVar aggregate classification (germline): Pathogenic (1 of 4 stars; one submission).

Conditions:
Propionic acidemia (PROP). Also called: KETOTIC HYPERGLYCINEMIA; GLYCINEMIA, KETOTIC; HYPERGLYCINEMIA WITH KETOACIDOSIS AND LEUKOPENIA. Identifiers: Orphanet 35, MedGen C0268579, MONDO:0011628, OMIM 606054, HP:0003571.

Submission:

Labcorp Genetics (formerly Invitae), Labcorp
Classification: Pathogenic for Propionic acidemia. Last evaluated: 2020-11-01. Review status: criteria provided, single submitter. Criteria: Invitae Variant Classification Sherloc (09022015). Collection method: clinical testing. Allele origin: germline.
Comment: For these reasons, this variant has been classified as Pathogenic. This variant has not been reported in the literature in individuals with PCCB-related conditions. This variant is not present in population databases (ExAC no frequency). This sequence change creates a premature translational stop signal (p.Thr251Hisfs*11) in the PCCB gene. It is expected to result in an absent or disrupted protein product. Loss-of-function variants in PCCB are known to be pathogenic (PMID: 15464417).

Literature cited by the submitters: PubMed 15464417.

NM_000532.5(PCCB):c.751_752del (p.Thr251fs)

Gene: PCCB (propionyl-CoA carboxylase subunit beta; plus strand). Cytogenetic location: 3q22.3.
Variant type: Microsatellite.
Coding change: c.751_752del on transcript NM_000532.5 (MANE Select); coding-DNA positions 751 to 752, 2 bases deleted (AC; older notation c.751_752delAC).
Protein change: p.Thr251fs; shifts the reading frame from threonine 251.
Molecular consequence: frameshift variant.
Genome position (GRCh38, 1-based): chr3:136,293,852-136,293,853, AC deleted; deleting any 2 consecutive bases within chr3:136,293,849-136,293,853 gives the same sequence; the c. name uses the placement nearest the transcript's 3' end. VCF-style (leftmost placement, unchanged base first): chr3-136293848-CCA-C. GRCh37 (hg19) VCF-style: chr3-136012690-CCA-C.
Other names: c.811_812del, p.Thr271fs (NM_001178014.2); short protein forms T251fs, T271fs.
Identifiers: ClinVar variation 1412366 (VCV001412366.6), dbSNP rs2108197377, ClinGen allele CA2580615974.